The following is an entry in ClinVar:

NM_001077350.3(NPRL3):c.289C>G (p.Pro97Ala)

Genes: HBA-LCR (alpha-globin locus control region; plus strand), NPRL3 (NPR3 like, GATOR1 complex subunit; minus strand). Cytogenetic location: 16p13.3.
Variant type: single nucleotide variant.
Coding change: c.289C>G on transcript NM_001077350.3 (MANE Select); coding-DNA position 289, C replaced by G.
Protein change: p.Pro97Ala; replaces proline 97 with alanine.
Molecular consequence: missense variant. On other transcripts: intron variant (1).
Genome position (GRCh38, 1-based): chr16:119,155, G>C on the plus strand (C>G on the coding strand, the complement: NPRL3 is on the minus strand). VCF-style: chr16-119155-G-C. GRCh37 (hg19) VCF-style: chr16-169154-G-C.
Other names: c.289C>G, p.Pro97Ala (NM_001243248.2, NM_001243249.2); c.-144-6380C>G (NM_001039476.3); c.55C>G, p.Pro19Ala (NM_001243247.2); short protein forms P97A, P19A.
Identifiers: ClinVar variation 2722323 (VCV002722323.3), dbSNP rs775744150, ClinGen allele CA7769717.
Genomic context (GRCh38, chr16:119,155, plus strand): 5'-GAGAGCCCCACCTGCCCAGGGAGAGCCATACCTGCCCCAGAGCATGCTGTAGCAGTGTTG[G>C]GTGCCCAACAAATCGCACATTATCAATCTTCAGTTCAAATTTTTGGCCACACATTTCAGA-3'
Protein context (NP_001070818.1, residues 87-107): KIDNVRFVGH[Pro97Ala]TLLQHALGQI

ClinVar aggregate classification (germline): Uncertain significance (1 of 4 stars; one submission).

Conditions:
Epilepsy, familial focal, with variable foci 3 (FFEVF3). Identifiers: MedGen C4310708, MONDO:0014925, OMIM 617118.

Allele frequency attached by ClinVar (database versions not stated): gnomAD 0.00002; TOPMed 0.00002; ExAC 0.00006.
gnomAD v4.1: 27 of 1,613,404 alleles (0.0017%); highest among the groups gnomAD compares: Non-Finnish European, 0.00059%; no homozygotes.

Submission:

Labcorp Genetics (formerly Invitae), Labcorp
Classification: Uncertain significance for Epilepsy, familial focal, with variable foci 3. Last evaluated: 2023-11-13. Review status: criteria provided, single submitter. Criteria: Invitae Variant Classification Sherloc (09022015). Collection method: clinical testing. Allele origin: germline.
Comment: This sequence change replaces proline, which is neutral and non-polar, with alanine, which is neutral and non-polar, at codon 97 of the NPRL3 protein (p.Pro97Ala). This variant is present in population databases (rs775744150, gnomAD 0.08%). This variant has not been reported in the literature in individuals affected with NPRL3-related conditions. Advanced modeling of protein sequence and biophysical properties (such as structural, functional, and spatial information, amino acid conservation, physicochemical variation, residue mobility, and thermodynamic stability) has been performed at Invitae for this missense variant, however the output from this modeling did not meet the statistical confidence thresholds required to predict the impact of this variant on NPRL3 protein function. In summary, the available evidence is currently insufficient to determine the role of this variant in disease. Therefore, it has been classified as a Variant of Uncertain Significance.